The following is an entry in ClinVar:

ClinVar aggregate classification (germline): Uncertain significance (1 of 4 stars; one submission).

Conditions:
Alstrom syndrome (ALMS). Identifiers: Orphanet 64, MedGen C0268425, MONDO:0008763, OMIM 203800.

Allele frequency attached by ClinVar (database versions not stated): TOPMed below 0.00001; ExAC 0.00001; gnomAD 0.00001; gnomAD exomes 0.00001.
gnomAD v4.1: 5 of 1,613,924 alleles (0.00031%); highest among the groups gnomAD compares: Non-Finnish European, 0.00025%; no homozygotes.

Submission:

Labcorp Genetics (formerly Invitae), Labcorp
Classification: Uncertain significance for Alstrom syndrome. Last evaluated: 2024-11-24. Review status: criteria provided, single submitter. Criteria: Invitae Variant Classification Sherloc (09022015). Collection method: clinical testing. Allele origin: germline.
Comment: This sequence change replaces serine, which is neutral and polar, with phenylalanine, which is neutral and non-polar, at codon 1190 of the ALMS1 protein (p.Ser1190Phe). This variant is present in population databases (rs769652886, gnomAD 0.0009%). This variant has not been reported in the literature in individuals affected with ALMS1-related conditions. ClinVar contains an entry for this variant (Variation ID: 1990532). Experimental studies and prediction algorithms are not available or were not evaluated, and the functional significance of this variant is currently unknown. In summary, the available evidence is currently insufficient to determine the role of this variant in disease. Therefore, it has been classified as a Variant of Uncertain Significance.

NM_001378454.1(ALMS1):c.3566C>T (p.Ser1189Phe)

Gene: ALMS1 (ALMS1 centrosome and basal body associated protein; plus strand). Cytogenetic location: 2p13.1.
Variant type: single nucleotide variant.
Coding change: c.3566C>T on transcript NM_001378454.1 (MANE Select); coding-DNA position 3566, C replaced by T.
Protein change: p.Ser1189Phe; replaces serine 1189 with phenylalanine.
Molecular consequence: missense variant.
Genome position (GRCh38, 1-based): chr2:73,450,093, C>T. VCF-style: chr2-73450093-C-T. GRCh37 (hg19) VCF-style: chr2-73677220-C-T.
Other names: c.3569C>T, p.Ser1190Phe (NM_015120.4); short protein forms S1190F, S1189F.
Identifiers: ClinVar variation 1990532 (VCV001990532.4), dbSNP rs769652886, ClinGen allele CA1713548.